The following is an entry in ClinVar:

NM_004963.4(GUCY2C):c.91C>T (p.His31Tyr)

Genes: GUCY2C (guanylate cyclase 2C; minus strand), GUCY2C-AS1 (GUCY2C antisense RNA 1; plus strand). Cytogenetic location: 12p12.3.
Variant type: single nucleotide variant.
Coding change: c.91C>T on transcript NM_004963.4 (MANE Select); coding-DNA position 91, C replaced by T.
Protein change: p.His31Tyr; replaces histidine 31 with tyrosine.
Molecular consequence: missense variant.
Genome position (GRCh38, 1-based): chr12:14,696,358, G>A on the plus strand (C>T on the coding strand, the complement: GUCY2C is on the minus strand). VCF-style: chr12-14696358-G-A. GRCh37 (hg19) VCF-style: chr12-14849292-G-A.
Other names: c.91C>T (NM_004963.3); short protein forms H31Y.
Identifiers: ClinVar variation 2077346 (VCV002077346.5), dbSNP rs750874628, ClinGen allele CA6463847.

ClinVar aggregate classification (germline): Uncertain significance. Review status: criteria provided, multiple submitters, no conflicts (2 of 4 stars). 2 submissions from 2 submitters: Uncertain significance (2). Last evaluated 2023-11-21.

Conditions:
Inborn genetic diseases. Identifiers: MedGen C0950123, MeSH D030342.

Allele frequency attached by ClinVar (database versions not stated): ExAC 0.00001; gnomAD exomes 0.00001.

Submissions (2):

Ambry Genetics
Classification: Uncertain significance for Inborn genetic diseases. Last evaluated: 2023-11-21. Review status: criteria provided, single submitter. Criteria: Ambry Variant Classification Scheme 2023. Collection method: clinical testing. Allele origin: germline.

Labcorp Genetics (formerly Invitae), Labcorp
Classification: Uncertain significance. Last evaluated: 2023-02-14. Review status: criteria provided, single submitter. Criteria: Invitae Variant Classification Sherloc (09022015). Collection method: clinical testing. Allele origin: germline.
Comment: This sequence change replaces histidine, which is basic and polar, with tyrosine, which is neutral and polar, at codon 31 of the GUCY2C protein (p.His31Tyr). This variant is present in population databases (rs750874628, gnomAD 0.0009%). This variant has not been reported in the literature in individuals affected with GUCY2C-related conditions. Algorithms developed to predict the effect of missense changes on protein structure and function output the following: SIFT: "Tolerated"; PolyPhen-2: "Benign"; Align-GVGD: "Class C0". The tyrosine amino acid residue is found in multiple mammalian species, which suggests that this missense change does not adversely affect protein function. In summary, the available evidence is currently insufficient to determine the role of this variant in disease. Therefore, it has been classified as a Variant of Uncertain Significance.